The following is an entry in ClinVar:

NM_004360.5(CDH1):c.1443del (p.Asn481fs)

Gene: CDH1 (cadherin 1; plus strand). Cytogenetic location: 16q22.1.
Variant type: Deletion.
Coding change: c.1443del on transcript NM_004360.5 (MANE Select); coding-DNA position 1443, one base deleted (T; older notation c.1443delT).
Protein change: p.Asn481fs; shifts the reading frame from asparagine 481.
Molecular consequence: frameshift variant. On other transcripts: 5 prime UTR variant (2).
Genome position (GRCh38, 1-based): chr16:68,815,637, T deleted. VCF-style (leftmost placement, unchanged base first): chr16-68815636-AT-A. GRCh37 (hg19) VCF-style: chr16-68849539-AT-A.
Other names: c.1260del, p.Asn420fs (NM_001317184.2); c.-106del (NM_001317185.2); c.-377del (NM_001317186.2); c.1443del (NM_004360.4); short protein forms N420fs, N481fs.
Identifiers: ClinVar variation 491497 (VCV000491497.6), dbSNP rs1555516137, ClinGen allele CA658683954.
Genomic context (GRCh38, chr16:68,815,636, plus strand): 5'-CTTTTGAGGTCTCTCTCACCACCTCCACAGCCACCGTCACCGTGGATGTGCTGGATGTGA[AT>A]GAAGCCCCCATCTTTGTGCCTCCTGAAAAGAGAGTGGAAGTGTCCGAGGACTTTGGCGTG-3'

ClinVar aggregate classification (germline): Pathogenic. Review status: reviewed by expert panel (3 of 4 stars). 2 submissions from 2 submitters: Pathogenic (1). 1 of the submissions does not count toward it. Last evaluated 2023-08-04.

Conditions:
Hereditary cancer-predisposing syndrome. Also called: Hereditary neoplastic syndrome; Tumor predisposition; Hereditary Cancer Syndrome; Neoplastic Syndromes, Hereditary. Identifiers: Orphanet 140162, MedGen C0027672, MeSH D009386, MONDO:0015356.
CDH1-related diffuse gastric and lobular breast cancer syndrome. Also called: CDH1-related diffuse gastric and lobular breast cancer. Identifiers: MedGen CN311521, MONDO:0100488.

Submissions (2):

Clingen Gastric Cancer Variant Curation Expert Panel
Classification: Pathogenic for CDH1-related diffuse gastric and lobular breast cancer syndrome. Last evaluated: 2023-08-04. Review status: reviewed by expert panel. Criteria: ClinGen CDH1 ACMG Specifications V3.1. Collection method: curation. Allele origin: germline. Inheritance: Autosomal dominant inheritance.
Comment: The c.1443del (p.Asn481fs) variant is predicted to result in a premature stop codon that leads to nonsense mediate decay (PVS1 and PM5_supporting). The variant is absent in the gnomAD cohort (PM2_supporting). Therefore, this variant meets criteria to be classified as pathogenic based on the ACMG/AMP criteria applied as specified by the CDH1 Variant Curation Expert Panel (CDH1 VCEP specifications version 3.1): PVS1, PM2_supporting, PM5_supporting.

Color Diagnostics, LLC DBA Color Health
Classification: Pathogenic for Hereditary cancer-predisposing syndrome. Last evaluated: 2020-02-06. Review status: criteria provided, single submitter. Criteria: ACMG Guidelines, 2015. Collection method: clinical testing. Allele origin: germline. Not counted in ClinVar's aggregate classification.
Comment: This variant deletes 1 nucleotide in exon 10 of the CDH1 gene, creating a frameshift and premature translation stop signal. Splice site prediction tools suggest that this variant may not impact RNA splicing. To our knowledge, functional studies have not been performed for this variant. This variant has not been reported in individuals affected with hereditary cancer in the literature. This variant has not been identified in the general population by the Genome Aggregation Database (gnomAD). Loss of CDH1 function is a known mechanism of disease. Based on the available evidence, this variant is classified as Pathogenic.